The following is an entry in ClinVar:

NM_006623.4(PHGDH):c.881G>T (p.Arg294Leu)

Gene: PHGDH (phosphoglycerate dehydrogenase; plus strand). Cytogenetic location: 1p12.
Variant type: single nucleotide variant.
Coding change: c.881G>T on transcript NM_006623.4 (MANE Select); coding-DNA position 881, G replaced by T.
Protein change: p.Arg294Leu; replaces arginine 294 with leucine.
Molecular consequence: missense variant.
Genome position (GRCh38, 1-based): chr1:119,737,202, G>T. VCF-style: chr1-119737202-G-T. GRCh37 (hg19) VCF-style: chr1-120279825-G-T.
Other names: short protein forms R294L.
Identifiers: ClinVar variation 1988138 (VCV001988138.4), dbSNP rs147049991, ClinGen allele CA341851325.

ClinVar aggregate classification (germline): Uncertain significance (1 of 4 stars; one submission).

Conditions:
PHGDH deficiency. Identifiers: Orphanet 79351, MedGen C1866174, MONDO:0011152, OMIM 601815.

gnomAD v4.1: 1 of 1,614,146 alleles (0.000062%); highest among the groups gnomAD compares: South Asian, 0.0011%; no homozygotes.

Submission:

Labcorp Genetics (formerly Invitae), Labcorp
Classification: Uncertain significance for PHGDH deficiency. Last evaluated: 2023-11-28. Review status: criteria provided, single submitter. Criteria: Invitae Variant Classification Sherloc (09022015). Collection method: clinical testing. Allele origin: germline.
Comment: This sequence change replaces arginine, which is basic and polar, with leucine, which is neutral and non-polar, at codon 294 of the PHGDH protein (p.Arg294Leu). This variant is not present in population databases (gnomAD no frequency). This variant has not been reported in the literature in individuals affected with PHGDH-related conditions. ClinVar contains an entry for this variant (Variation ID: 1988138). Advanced modeling of protein sequence and biophysical properties (such as structural, functional, and spatial information, amino acid conservation, physicochemical variation, residue mobility, and thermodynamic stability) has been performed at Invitae for this missense variant, however the output from this modeling did not meet the statistical confidence thresholds required to predict the impact of this variant on PHGDH protein function. In summary, the available evidence is currently insufficient to determine the role of this variant in disease. Therefore, it has been classified as a Variant of Uncertain Significance.